The following is an entry in ClinVar:

ClinVar aggregate classification (germline): Uncertain significance. Review status: criteria provided, multiple submitters, no conflicts (2 of 4 stars). 2 submissions from 2 submitters: Uncertain significance (2). Last evaluated 2025-04-23.

Conditions:
Congenital contractural arachnodactyly (CCA). Also called: BEALS SYNDROME; Beals-Hecht syndrome; Arthrogryposis, distal, type 9. Identifiers: Orphanet 115, MedGen C0220668, MONDO:0007363, OMIM 121050.
Familial thoracic aortic aneurysm and aortic dissection (TAAD). Also called: Thoracic aortic aneurysms and dissections. Identifiers: Orphanet 91387, MedGen C4707243, MONDO:0019625.

Submissions (2):

Ambry Genetics
Classification: Uncertain significance for Familial thoracic aortic aneurysm and aortic dissection. Last evaluated: 2025-04-23. Review status: criteria provided, single submitter. Criteria: Ambry Variant Classification Scheme 2023. Collection method: clinical testing. Allele origin: germline.
Comment: The p.N1731K variant (also known as c.5193C>G), located in coding exon 40 of the FBN2 gene, results from a C to G substitution at nucleotide position 5193. The asparagine at codon 1731 is replaced by lysine, an amino acid with similar properties. This amino acid position is highly conserved in available vertebrate species. In addition, the in silico prediction for this alteration is inconclusive. Based on the available evidence, the clinical significance of this variant remains unclear.

Labcorp Genetics (formerly Invitae), Labcorp
Classification: Uncertain significance for Congenital contractural arachnodactyly. Last evaluated: 2024-09-14. Review status: criteria provided, single submitter. Criteria: Invitae Variant Classification Sherloc (09022015). Collection method: clinical testing. Allele origin: germline.
Comment: This sequence change replaces asparagine, which is neutral and polar, with lysine, which is basic and polar, at codon 1731 of the FBN2 protein (p.Asn1731Lys). This variant is not present in population databases (gnomAD no frequency). This variant has not been reported in the literature in individuals affected with FBN2-related conditions. Invitae Evidence Modeling of protein sequence and biophysical properties (such as structural, functional, and spatial information, amino acid conservation, physicochemical variation, residue mobility, and thermodynamic stability) indicates that this missense variant is not expected to disrupt FBN2 protein function with a negative predictive value of 80%. In summary, the available evidence is currently insufficient to determine the role of this variant in disease. Therefore, it has been classified as a Variant of Uncertain Significance.

NM_001999.4(FBN2):c.5193C>G (p.Asn1731Lys)

Gene: FBN2 (fibrillin 2; minus strand). Cytogenetic location: 5q23.3.
Variant type: single nucleotide variant.
Coding change: c.5193C>G on transcript NM_001999.4 (MANE Select); coding-DNA position 5193, C replaced by G.
Protein change: p.Asn1731Lys; replaces asparagine 1731 with lysine.
Molecular consequence: missense variant.
Genome position (GRCh38, 1-based): chr5:128,309,990, G>C on the plus strand (C>G on the coding strand, the complement: FBN2 is on the minus strand). VCF-style: chr5-128309990-G-C. GRCh37 (hg19) VCF-style: chr5-127645682-G-C.
Other names: c.5193C>G (NM_001999.3); short protein forms N1731K.
Identifiers: ClinVar variation 3674446 (VCV003674446.3).
Genomic context (GRCh38, chr5:128,309,990, plus strand): 5'-TATGTGTGAAGTCAACAACTGTGCTCTAATTAATCTCAGAGTTCTTTACCTACCCATGCA[G>C]TTGTGGCCTCCATTGACCTGCATGTACTCAGGTGGGCAAATGCAGGTGTAATTTCCCAGG-3'
Protein context (NP_001990.2, residues 1721-1741): PEYMQVNGGH[Asn1731Lys]CMDMRKSFCY